The following is an entry in ClinVar:

NM_002880.4(RAF1):c.1127T>C (p.Ile376Thr)

Gene: RAF1 (Raf-1 proto-oncogene, serine/threonine kinase; minus strand). Cytogenetic location: 3p25.2.
Variant type: single nucleotide variant.
Coding change: c.1127T>C on transcript NM_002880.4 (MANE Select); coding-DNA position 1127, T replaced by C.
Protein change: p.Ile376Thr; replaces isoleucine 376 with threonine.
Molecular consequence: missense variant. On other transcripts: non-coding transcript variant (3).
Genome position (GRCh38, 1-based): chr3:12,591,774, A>G on the plus strand (T>C on the coding strand, the complement: RAF1 is on the minus strand). VCF-style: chr3-12591774-A-G. GRCh37 (hg19) VCF-style: chr3-12633273-A-G.
Other names: c.1187T>C, p.Ile396Thr (NM_001354689.3); c.1127T>C, p.Ile376Thr (NM_001354690.3); c.884T>C, p.Ile295Thr (NM_001354691.3, NM_001354692.3); c.1028T>C, p.Ile343Thr (NM_001354693.3); c.944T>C, p.Ile315Thr (NM_001354694.3); c.785T>C, p.Ile262Thr (NM_001354695.3); short protein forms I315T, I343T, I376T, I262T, I295T, I396T.
Identifiers: ClinVar variation 1372896 (VCV001372896.6), dbSNP rs1575546549, ClinGen allele CA351504153.
Genomic context (GRCh38, chr3:12,591,774, plus strand): 5'-ACAGCCACCTCATTCCTGAAGGCCTGGAATTGCTCTGGGGTTGGGTCGACAACCTTTAGG[A>G]TCTTTACTGCAACATCTCCTGCAAAATTAGTTGGCAGTCAGTGCAATCAGTTGAATGATC-3'
Protein context (NP_002871.1, residues 366-386): GKWHGDVAVK[Ile376Thr]LKVVDPTPEQ

ClinVar aggregate classification (germline): Uncertain significance (1 of 4 stars; one submission).

Conditions:
RASopathy. Also called: Noonan spectrum disorder; rasopathies. Identifiers: Orphanet 536391, MedGen C5555857, MONDO:0021060.

Submission:

Labcorp Genetics (formerly Invitae), Labcorp
Classification: Uncertain significance for RASopathy. Last evaluated: 2022-11-01. Review status: criteria provided, single submitter. Criteria: Invitae Variant Classification Sherloc (09022015). Collection method: clinical testing. Allele origin: germline.
Comment: This variant has not been reported in the literature in individuals affected with RAF1-related conditions. ClinVar contains an entry for this variant (Variation ID: 1372896). Advanced modeling of protein sequence and biophysical properties (such as structural, functional, and spatial information, amino acid conservation, physicochemical variation, residue mobility, and thermodynamic stability) performed at Invitae indicates that this missense variant is expected to disrupt RAF1 protein function. In summary, the available evidence is currently insufficient to determine the role of this variant in disease. Therefore, it has been classified as a Variant of Uncertain Significance. This variant is not present in population databases (gnomAD no frequency). This sequence change replaces isoleucine, which is neutral and non-polar, with threonine, which is neutral and polar, at codon 376 of the RAF1 protein (p.Ile376Thr).